The following is an entry in ClinVar:

ClinVar aggregate classification (germline): Benign. Review status: criteria provided, multiple submitters, no conflicts (2 of 4 stars). 7 submissions from 6 submitters: Benign (7). Last evaluated 2026-01-26.

Conditions:
Ehlers-Danlos syndrome, classic type, 1 (EDSCL1). Also called: Ehlers-Danlos syndrome, type 1; Ehlers-Danlos Syndrome, Classic Type, COL5A1-Related; EDS I; EHLERS-DANLOS SYNDROME, GRAVIS TYPE; EHLERS-DANLOS SYNDROME, SEVERE CLASSIC TYPE. Identifiers: MedGen C0268335, MONDO:0019567, OMIM 130000.
Fibromuscular dysplasia, multifocal. Identifiers: MedGen C5543412, MONDO:0859151, OMIM 619329.

Allele frequency attached by ClinVar (database versions not stated): TOPMed 0.00385; 1000 Genomes Project 30x 0.00250; 1000 Genomes Project 0.00220; ESP Exome Variant Server 0.00361.
gnomAD v4.1: 1,064 of 1,593,130 alleles (0.067%); highest among the groups gnomAD compares: African/African-American, 1.2%; 11 homozygotes.

Submissions (7):

Labcorp Genetics (formerly Invitae), Labcorp
Classification: Benign for Ehlers-Danlos syndrome, classic type, 1. Last evaluated: 2026-01-26. Review status: criteria provided, single submitter. Criteria: Invitae Variant Classification Sherloc (09022015). Collection method: clinical testing. Allele origin: germline.

Women's Health and Genetics/Laboratory Corporation of America, LabCorp
Classification: Benign. Last evaluated: 2023-07-21. Review status: criteria provided, single submitter. Criteria: LabCorp Variant Classification Summary - May 2015. Collection method: clinical testing. Allele origin: germline.

Genome-Nilou Lab
Classification: Benign for Ehlers-Danlos syndrome, classic type, 1. Last evaluated: 2022-03-15. Review status: criteria provided, single submitter. Criteria: ACMG Guidelines, 2015. Collection method: clinical testing. Allele origin: germline. Affected: no.

Genome-Nilou Lab
Classification: Benign for Fibromuscular dysplasia, multifocal. Last evaluated: 2022-03-15. Review status: criteria provided, single submitter. Criteria: ACMG Guidelines, 2015. Collection method: clinical testing. Allele origin: germline. Affected: no.

ARUP Laboratories, Molecular Genetics and Genomics, ARUP Laboratories
Classification: Benign. Last evaluated: 2021-07-23. Review status: criteria provided, single submitter. Criteria: ARUP Molecular Germline Variant Investigation Process 2021. Collection method: clinical testing. Allele origin: germline.

GeneDx
Classification: Benign. Last evaluated: 2013-10-21. Review status: criteria provided, single submitter. Criteria: GeneDx Variant Classification (06012015). Collection method: clinical testing. Allele origin: germline. Affected: yes.
Comment: This variant is considered likely benign or benign based on one or more of the following criteria: it is a conservative change, it occurs at a poorly conserved position in the protein, it is predicted to be benign by multiple in silico algorithms, and/or has population frequency not consistent with disease.

PreventionGenetics, part of Exact Sciences
Classification: Benign. Review status: criteria provided, single submitter. Criteria: ACMG Guidelines, 2015. Collection method: clinical testing. Allele origin: germline.

NM_000093.5(COL5A1):c.2592+16C>G

Gene: COL5A1 (collagen type V alpha 1 chain; plus strand). Cytogenetic location: 9q34.3.
Variant type: single nucleotide variant.
Coding change: c.2592+16C>G on transcript NM_000093.5 (MANE Select); 16 bases into the intron after coding-DNA position 2592, C replaced by G.
Molecular consequence: intron variant.
Genome position (GRCh38, 1-based): chr9:134,785,112, C>G. VCF-style: chr9-134785112-C-G. GRCh37 (hg19) VCF-style: chr9-137676958-C-G.
Other names: c.2592+16C>G (NM_001278074.1).
Identifiers: ClinVar variation 136868 (VCV000136868.22), dbSNP rs145429817, ClinGen allele CA290238.